The following is an entry in ClinVar:

NM_002471.4(MYH6):c.5796+3G>A

Gene: MYH6 (myosin heavy chain 6; minus strand). Cytogenetic location: 14q11.2.
Variant type: single nucleotide variant.
Coding change: c.5796+3G>A on transcript NM_002471.4 (MANE Select); 3 bases into the intron after coding-DNA position 5796, G replaced by A.
Molecular consequence: intron variant.
Genome position (GRCh38, 1-based): chr14:23,382,425, C>T on the plus strand (G>A on the coding strand, the complement: MYH6 is on the minus strand). VCF-style: chr14-23382425-C-T. GRCh37 (hg19) VCF-style: chr14-23851634-C-T.
Identifiers: ClinVar variation 4825131 (VCV004825131.1).

ClinVar aggregate classification (germline): Uncertain significance (1 of 4 stars; one submission).

Conditions:
Cardiovascular phenotype. Identifiers: MedGen CN230736.

gnomAD v4.1: 4 of 1,613,962 alleles (0.00025%); highest among the groups gnomAD compares: African/African-American, 0.0053%; no homozygotes.

Submission:

Ambry Genetics
Classification: Uncertain significance for Cardiovascular phenotype. Last evaluated: 2026-02-05. Review status: criteria provided, single submitter. Criteria: Ambry Variant Classification Scheme 2023. Collection method: clinical testing. Allele origin: germline.
Comment: The c.5796+3G>A intronic variant results from a G to A substitution 3 nucleotides after coding exon 36 in the MYH6 gene. This nucleotide position is well conserved in available vertebrate species. In silico splice site analysis predicts that this alteration will not have any significant effect on splicing. Based on the available evidence, the clinical significance of this variant remains unclear.